The following is an entry in ClinVar:

NM_017654.4(SAMD9):c.3269G>A (p.Arg1090Lys)

Gene: SAMD9 (sterile alpha motif domain containing 9; minus strand). Cytogenetic location: 7q21.2.
Variant type: single nucleotide variant.
Coding change: c.3269G>A on transcript NM_017654.4 (MANE Select); coding-DNA position 3269, G replaced by A.
Protein change: p.Arg1090Lys; replaces arginine 1090 with lysine.
Molecular consequence: missense variant.
Genome position (GRCh38, 1-based): chr7:93,102,829, C>T on the plus strand (G>A on the coding strand, the complement: SAMD9 is on the minus strand). VCF-style: chr7-93102829-C-T. GRCh37 (hg19) VCF-style: chr7-92732142-C-T.
Other names: c.3269G>A, p.Arg1090Lys (NM_001193307.2); c.3269G>A (NM_017654.3); short protein forms R1090K.
Identifiers: ClinVar variation 3617492 (VCV003617492.3).

ClinVar aggregate classification (germline): Uncertain significance. Review status: criteria provided, multiple submitters, no conflicts (2 of 4 stars). 2 submissions from 2 submitters: Uncertain significance (2). Last evaluated 2026-03-11.

Conditions:
SAMD9-related disorder. Also called: SAMD9-related condition.

gnomAD v4.1: 12 of 1,613,846 alleles (0.00074%); highest among the groups gnomAD compares: Non-Finnish European, 0.001%; no homozygotes.

Submissions (2):

PreventionGenetics, part of Exact Sciences
Classification: Uncertain significance for SAMD9-related condition. Last evaluated: 2026-03-11. Review status: criteria provided, single submitter. Criteria: ACMG Guidelines, 2015. Collection method: clinical testing. Allele origin: germline.
Comment: The SAMD9 c.3269G>A variant is predicted to result in the amino acid substitution p.Arg1090Lys. To our knowledge, this variant has not been reported in the literature or in a large population database (gnomAD), indicating this variant is rare. At this time, the clinical significance of this variant is uncertain due to the absence of conclusive functional and genetic evidence.

Labcorp Genetics (formerly Invitae), Labcorp
Classification: Uncertain significance. Last evaluated: 2025-11-03. Review status: criteria provided, single submitter. Criteria: Invitae Variant Classification Sherloc (09022015). Collection method: clinical testing. Allele origin: germline.
Comment: This sequence change replaces arginine, which is basic and polar, with lysine, which is basic and polar, at codon 1090 of the SAMD9 protein (p.Arg1090Lys). This variant is not present in population databases (gnomAD no frequency). This variant has not been reported in the literature in individuals affected with SAMD9-related conditions. ClinVar contains an entry for this variant (Variation ID: 3617492). Invitae Evidence Modeling of protein sequence and biophysical properties (such as structural, functional, and spatial information, amino acid conservation, physicochemical variation, residue mobility, and thermodynamic stability) has been performed for this missense variant. However, the output from this modeling did not meet the statistical confidence thresholds required to predict the impact of this variant on SAMD9 protein function. In summary, the available evidence is currently insufficient to determine the role of this variant in disease. Therefore, it has been classified as a Variant of Uncertain Significance.